The following is an entry in ClinVar:

NM_001145026.2(PTPRQ):c.6638T>C (p.Leu2213Pro)

Gene: PTPRQ (protein tyrosine phosphatase receptor type Q; plus strand). Cytogenetic location: 12q21.31.
Variant type: single nucleotide variant.
Coding change: c.6638T>C on transcript NM_001145026.2 (MANE Select); coding-DNA position 6638, T replaced by C.
Protein change: p.Leu2213Pro; replaces leucine 2213 with proline.
Molecular consequence: missense variant.
Genome position (GRCh38, 1-based): chr12:80,673,204, T>C. VCF-style: chr12-80673204-T-C. GRCh37 (hg19) VCF-style: chr12-81066983-T-C.
Other names: short protein forms L2213P.
Identifiers: ClinVar variation 2576826 (VCV002576826.1), dbSNP rs999258863, ClinGen allele CA240619400.

ClinVar aggregate classification (germline): Uncertain significance (1 of 4 stars; one submission).

Allele frequency attached by ClinVar (database versions not stated): TOPMed 0.00002; gnomAD 0.00003; gnomAD exomes 0.00005.
gnomAD v4.1: 83 of 1,550,920 alleles (0.0054%); highest among the groups gnomAD compares: Non-Finnish European, 0.0064%; no homozygotes.

Submission:

GeneDx
Classification: Uncertain significance. Last evaluated: 2023-02-15. Review status: criteria provided, single submitter. Criteria: GeneDx Variant Classification Process June 2021. Collection method: clinical testing. Allele origin: germline. Affected: yes.
Comment: Not observed at significant frequency in large population cohorts (gnomAD); In silico analysis supports that this missense variant has a deleterious effect on protein structure/function; Has not been previously published as pathogenic or benign to our knowledge